The following is an entry in ClinVar:

NM_001184900.3(CARD8):c.549G>T (p.Trp183Cys)

Gene: CARD8 (caspase recruitment domain family member 8; minus strand). Cytogenetic location: 19q13.33.
Variant type: single nucleotide variant.
Coding change: c.549G>T on transcript NM_001184900.3 (MANE Select); coding-DNA position 549, G replaced by T.
Protein change: p.Trp183Cys; replaces tryptophan 183 with cysteine.
Molecular consequence: missense variant. On other transcripts: non-coding transcript variant (4).
Genome position (GRCh38, 1-based): chr19:48,231,000, C>A on the plus strand (G>T on the coding strand, the complement: CARD8 is on the minus strand). VCF-style: chr19-48231000-C-A. GRCh37 (hg19) VCF-style: chr19-48734257-C-A.
Other names: c.399G>T, p.Trp133Cys (NM_001184901.1, NM_001351783.2, NM_001351788.2 and 2 more transcripts); c.549G>T, p.Trp183Cys (NM_001184902.2, NM_001184903.1, NM_001351782.2); c.234G>T, p.Trp78Cys (NM_001351784.2, NM_001351787.2, NM_001351791.2 and 2 more transcripts); c.213G>T, p.Trp71Cys (NM_001351786.2); c.306G>T, p.Trp102Cys (NM_001351790.2); short protein forms W102C, W133C, W183C, W71C, W78C.
Identifiers: ClinVar variation 1942906 (VCV001942906.5), dbSNP rs554659325, ClinGen allele CA9547975.

ClinVar aggregate classification (germline): Uncertain significance (1 of 4 stars; one submission).

Allele frequency attached by ClinVar (database versions not stated): gnomAD exomes below 0.00001; ExAC 0.00001; TOPMed 0.00002; gnomAD 0.00003; 1000 Genomes Project 30x 0.00016; 1000 Genomes Project 0.00020.
gnomAD v4.1: 12 of 1,613,774 alleles (0.00074%); highest among the groups gnomAD compares: Non-Finnish European, 0.00085%; no homozygotes.

Submission:

Labcorp Genetics (formerly Invitae), Labcorp
Classification: Uncertain significance. Last evaluated: 2025-12-26. Review status: criteria provided, single submitter. Criteria: Invitae Variant Classification Sherloc (09022015). Collection method: clinical testing. Allele origin: germline.
Comment: This sequence change replaces tryptophan, which is neutral and slightly polar, with cysteine, which is neutral and slightly polar, at codon 133 of the CARD8 protein (p.Trp133Cys). This variant is present in population databases (rs554659325, gnomAD 0.0009%). This variant has not been reported in the literature in individuals affected with CARD8-related conditions. ClinVar contains an entry for this variant (Variation ID: 1942906). An algorithm developed to predict the effect of missense changes on protein structure and function outputs the following: PolyPhen-2: "Benign". The cysteine amino acid residue is found in multiple mammalian species, which suggests that this missense change does not adversely affect protein function. In summary, the available evidence is currently insufficient to determine the role of this variant in disease. Therefore, it has been classified as a Variant of Uncertain Significance.